The following is an entry in ClinVar:

NM_006086.4(TUBB3):c.381C>T (p.Cys127=)

Gene: TUBB3 (tubulin beta 3 class III; plus strand). Cytogenetic location: 16q24.3.
Variant type: single nucleotide variant.
Coding change: c.381C>T on transcript NM_006086.4 (MANE Select); coding-DNA position 381, C replaced by T.
Protein change: p.Cys127=; no amino-acid change (cysteine 127 retained).
Molecular consequence: synonymous variant.
Genome position (GRCh38, 1-based): chr16:89,934,832, C>T. VCF-style: chr16-89934832-C-T. GRCh37 (hg19) VCF-style: chr16-90001240-C-T.
Other names: c.165C>T, p.Cys55= (NM_001197181.2).
Identifiers: ClinVar variation 753918 (VCV000753918.27), dbSNP rs145375049, ClinGen allele CA8256101.
Genomic context (GRCh38, chr16:89,934,832, plus strand): 5'-GGAGGGGGCGGAGCTGGTGGATTCGGTCCTGGATGTGGTGCGGAAGGAGTGTGAAAACTG[C>T]GACTGCCTGCAGGGCTTCCAGCTGACCCACTCGCTGGGGGGCGGCACGGGCTCCGGCATG-3'
Protein context (NP_006077.2, residues 117-137): LDVVRKECEN[Cys127=]DCLQGFQLTH

ClinVar aggregate classification (germline): Likely benign. Review status: criteria provided, multiple submitters, no conflicts (2 of 4 stars). 3 submissions from 3 submitters: Likely benign (3). Last evaluated 2025-08-18.

Allele frequency attached by ClinVar (database versions not stated): TOPMed 0.00010; gnomAD 0.00011; gnomAD exomes 0.00012; ESP Exome Variant Server 0.00015; ExAC 0.00017.
gnomAD v4.1: 158 of 1,614,018 alleles (0.0098%); highest among the groups gnomAD compares: African/African-American, 0.015%; no homozygotes.

Submissions (3):

Labcorp Genetics (formerly Invitae), Labcorp
Classification: Likely benign. Last evaluated: 2025-08-18. Review status: criteria provided, single submitter. Criteria: Invitae Variant Classification Sherloc (09022015). Collection method: clinical testing. Allele origin: germline.

CeGaT Center for Human Genetics Tuebingen
Classification: Likely benign. Last evaluated: 2024-05-01. Review status: criteria provided, single submitter. Criteria: CeGaT Center For Human Genetics Tuebingen Variant Classification Criteria Version 2. Collection method: clinical testing. Allele origin: germline. Affected: yes. Observed: 1 variant allele.
Comment: TUBB3: BP4, BP7

Breakthrough Genomics
Classification: Likely benign. Review status: criteria provided, single submitter. Criteria: ACMG Guidelines, 2015. Collection method: not provided. Allele origin: germline. Inheritance: Autosomal dominant inheritance. Affected: yes.